The following is an entry in ClinVar:

ClinVar aggregate classification (germline): Benign/Likely benign. Review status: criteria provided, multiple submitters, no conflicts (2 of 4 stars). 3 submissions from 3 submitters: Benign (1); Likely benign (2). Last evaluated 2024-09-20.

Conditions:
Hereditary cancer-predisposing syndrome. Also called: Tumor predisposition; Hereditary Cancer Syndrome; Neoplastic Syndromes, Hereditary; Hereditary neoplastic syndrome. Identifiers: Orphanet 140162, MedGen C0027672, MeSH D009386, MONDO:0015356.
Hereditary diffuse gastric adenocarcinoma (HDGC). Also called: DIFFUSE GASTRIC AND LOBULAR BREAST CANCER SYNDROME. Identifiers: Orphanet 26106, MedGen C1708349, MONDO:0007648, OMIM 137215.

Submissions (3):

Myriad Genetics, Inc.
Classification: Benign for Hereditary diffuse gastric adenocarcinoma. Last evaluated: 2024-09-20. Review status: criteria provided, single submitter. Criteria: Myriad Autosomal Dominant, Autosomal Recessive and X-Linked Classification Criteria (2023). Collection method: clinical testing. Allele origin: unknown.
Comment: This variant is considered benign. This variant is a silent/synonymous amino acid change and it is not expected to impact splicing.

Labcorp Genetics (formerly Invitae), Labcorp
Classification: Likely benign for Hereditary diffuse gastric adenocarcinoma. Last evaluated: 2024-02-11. Review status: criteria provided, single submitter. Criteria: Invitae Variant Classification Sherloc (09022015). Collection method: clinical testing. Allele origin: germline.

Ambry Genetics
Classification: Likely benign for Hereditary cancer-predisposing syndrome. Last evaluated: 2023-10-15. Review status: criteria provided, single submitter. Criteria: Ambry Variant Classification Scheme 2023. Collection method: clinical testing. Allele origin: germline.

NM_004360.5(CDH1):c.2007C>T (p.Leu669=)

Gene: CDH1 (cadherin 1; plus strand). Cytogenetic location: 16q22.1.
Variant type: single nucleotide variant.
Coding change: c.2007C>T on transcript NM_004360.5 (MANE Select); coding-DNA position 2007, C replaced by T.
Protein change: p.Leu669=; no amino-acid change (leucine 669 retained).
Molecular consequence: synonymous variant.
Genome position (GRCh38, 1-based): chr16:68,823,469, C>T. VCF-style: chr16-68823469-C-T. GRCh37 (hg19) VCF-style: chr16-68857372-C-T.
Other names: c.1824C>T, p.Leu608= (NM_001317184.2); c.459C>T, p.Leu153= (NM_001317185.2); c.42C>T, p.Leu14= (NM_001317186.2).
Identifiers: ClinVar variation 746178 (VCV000746178.12), dbSNP rs1596965732, ClinGen allele CA496393112.